The following is an entry in ClinVar:

NM_005422.4(TECTA):c.2544G>A (p.Leu848=)

Genes: TBCEL-TECTA (TBCEL-TECTA readthrough; plus strand), TECTA (tectorin alpha; plus strand), LOC126861365 (P300/CBP strongly-dependent group 1 enhancer GRCh37_chr11:121000154-121001353; plus strand). Cytogenetic location: 11q23.3.
Variant type: single nucleotide variant.
Coding change: c.2544G>A on transcript NM_005422.4 (MANE Select); coding-DNA position 2544, G replaced by A.
Protein change: p.Leu848=; no amino-acid change (leucine 848 retained).
Molecular consequence: synonymous variant.
Genome position (GRCh38, 1-based): chr11:121,129,814, G>A. VCF-style: chr11-121129814-G-A. GRCh37 (hg19) VCF-style: chr11-121000523-G-A.
Other names: c.3501G>A, p.Leu1167= (NM_001378761.1).
Identifiers: ClinVar variation 452349 (VCV000452349.12), dbSNP rs144582229, ClinGen allele CA6327012.
Genomic context (GRCh38, chr11:121,129,814, plus strand): 5'-AGACATAGGTCTATTGTACATCCGGCTGTCCACCACATACTTCAATTGCACAGGGGGCTT[G>A]TGCGGCTTCTACAATGCCAACGCCAGTGACGAGTTCTGTCTCCCCAACGGCAAGTGCACG-3'
Protein context (NP_005413.2, residues 838-858): STTYFNCTGG[Leu848=]CGFYNANASD

ClinVar aggregate classification (germline): Conflicting classifications of pathogenicity. Review status: criteria provided, conflicting classifications (1 of 4 stars). 3 submissions from 3 submitters: Uncertain significance (1); Likely benign (1). 1 of the submissions does not count toward it. Last evaluated 2026-01-19.

Conditions:
TECTA-related disorder. Also called: TECTA-related condition.

Allele frequency attached by ClinVar (database versions not stated): gnomAD exomes 0.00006; ExAC 0.00008; gnomAD 0.00018 and 0.00020; ESP Exome Variant Server 0.00031; TOPMed 0.00032.
gnomAD v4.1: 54 of 1,614,104 alleles (0.0033%); highest among the groups gnomAD compares: African/African-American, 0.06%; no homozygotes.

Submissions (3):

Labcorp Genetics (formerly Invitae), Labcorp
Classification: Likely benign. Last evaluated: 2026-01-19. Review status: criteria provided, single submitter. Criteria: Invitae Variant Classification Sherloc (09022015). Collection method: clinical testing. Allele origin: germline.

GeneDx
Classification: Uncertain significance. Last evaluated: 2017-10-18. Review status: criteria provided, single submitter. Criteria: GeneDx Variant Classification (06012015). Collection method: clinical testing. Allele origin: germline. Affected: yes.
Comment: The c.2544 G>A variant has not been published as a pathogenic variant, nor has it been reported as a benign variant to our knowledge. The variant is observed in 20/24032 (0.083%) alleles from individuals of African background in the ExAC dataset (Lek et al., 2016). The variant is a synonymous substitution and does not result in a chance to the amino acid sequence. This substitution occurs at a position that is conserved in mammals. However, in silico analysis predicts this variant likely does not affect splicing. In summary, based on the currently available information, it is unclear whether this variant is a pathogenic variant or a rare benign variant.

PreventionGenetics, part of Exact Sciences
Classification: Likely benign for TECTA-related condition. Last evaluated: 2019-11-26. Review status: no assertion criteria provided. Collection method: clinical testing. Allele origin: germline. Not counted in ClinVar's aggregate classification.
Comment: This variant is classified as likely benign based on ACMG/AMP sequence variant interpretation guidelines (Richards et al. 2015 PMID: 25741868, with internal and published modifications).